The following is an entry in ClinVar:

ClinVar aggregate classification (germline): Likely benign. Review status: criteria provided, multiple submitters, no conflicts (2 of 4 stars). 4 submissions from 4 submitters: Likely benign (3). 1 of the submissions does not count toward it. Last evaluated 2026-01-21.

Conditions:
Leucine-induced hypoglycemia (LIH). Also called: LEUCINE-SENSITIVE HYPOGLYCEMIA OF INFANCY. Identifiers: MedGen C0271714, MONDO:0009415, OMIM 240800.
Diabetes mellitus, permanent neonatal 3. Also called: ABCC8-Related Permanent Neonatal Diabetes Mellitus. Identifiers: MedGen C5394303, MONDO:0030088, OMIM 618857.
Diabetes mellitus, transient neonatal, 2 (TNDM2). Identifiers: Orphanet 99886, MedGen C1835887, MONDO:0012480, OMIM 610374. Disease mechanism: loss of function.
Type 2 diabetes mellitus. Also called: Type II diabetes mellitus. Identifiers: MedGen C0011860, MeSH D003924, MONDO:0005148, OMIM 125853, HP:0005978.
Hyperinsulinemic hypoglycemia, familial, 1 (HHF1). Also called: Persistent hyperinsulinemic hypoglycemia of infancy; HYPERINSULINISM, FAMILIAL, WITH PANCREATIC NESIDIOBLASTOSIS; HYPOGLYCEMIA, HYPERINSULINEMIC, OF INFANCY; NESIDIOBLASTOSIS OF PANCREAS; Persistent Hyperinsulinemia Hypoglycemia of Infancy. Identifiers: Orphanet 276575, Orphanet 276598, MedGen C2931832, MONDO:0009734, OMIM 256450.
ABCC8-related disorder.
Inborn genetic diseases. Identifiers: MedGen C0950123, MeSH D030342.

Allele frequency attached by ClinVar (database versions not stated): ExAC 0.00001; TOPMed 0.00001; gnomAD 0.00002.
gnomAD v4.1: 39 of 1,614,080 alleles (0.0024%); highest among the groups gnomAD compares: East Asian, 0.0045%; no homozygotes.

Submissions (4):

Labcorp Genetics (formerly Invitae), Labcorp
Classification: Likely benign. Last evaluated: 2026-01-21. Review status: criteria provided, single submitter. Criteria: Invitae Variant Classification Sherloc (09022015). Collection method: clinical testing. Allele origin: germline.

Fulgent Genetics
Classification: Likely benign for Type 2 diabetes mellitus; Leucine-induced hypoglycemia; Hyperinsulinemic hypoglycemia, familial, 1; Diabetes mellitus, transient neonatal, 2; Diabetes mellitus, permanent neonatal 3. Last evaluated: 2021-08-19. Review status: criteria provided, single submitter. Criteria: ACMG Guidelines, 2015. Collection method: clinical testing. Allele origin: unknown.

Ambry Genetics
Classification: Likely benign for Inborn genetic diseases. Last evaluated: 2019-10-23. Review status: criteria provided, single submitter. Criteria: Ambry Variant Classification Scheme 2023. Collection method: clinical testing. Allele origin: germline.

PreventionGenetics, part of Exact Sciences
Classification: Likely benign for ABCC8-related condition. Last evaluated: 2019-07-25. Review status: no assertion criteria provided. Collection method: clinical testing. Allele origin: germline. Not counted in ClinVar's aggregate classification.
Comment: This variant is classified as likely benign based on ACMG/AMP sequence variant interpretation guidelines (Richards et al. 2015 PMID: 25741868, with internal and published modifications).

NM_000352.6(ABCC8):c.702C>T (p.Asn234=)

Gene: ABCC8 (ATP binding cassette subfamily C member 8; minus strand). Cytogenetic location: 11p15.1.
Variant type: single nucleotide variant.
Coding change: c.702C>T on transcript NM_000352.6 (MANE Select); coding-DNA position 702, C replaced by T.
Protein change: p.Asn234=; no amino-acid change (asparagine 234 retained).
Molecular consequence: synonymous variant. On other transcripts: non-coding transcript variant (1).
Genome position (GRCh38, 1-based): chr11:17,461,703, G>A on the plus strand (C>T on the coding strand, the complement: ABCC8 is on the minus strand). VCF-style: chr11-17461703-G-A. GRCh37 (hg19) VCF-style: chr11-17483250-G-A.
Other names: c.702C>T, p.Asn234= (NM_001287174.3, NM_001351295.2, NM_001351296.2 and 1 more transcripts); c.702C>T (NM_000352.4).
Identifiers: ClinVar variation 1580937 (VCV001580937.13), dbSNP rs758289249, ClinGen allele CA5903797.
Genomic context (GRCh38, chr11:17,461,703, plus strand): 5'-GGGCAGCTTCCCGATGGCTCGCAAGTCGATGGGCTTCTTGTGGGCAGTCTTGATGAAGGC[G>A]TTCATCCACCAGTAGGTGCCTTTGGACAGCAGATTCACGAAGGGCTGCAGGAAGCGTACC-3'
Protein context (NP_000343.2, residues 224-244): LLSKGTYWWM[Asn234=]AFIKTAHKKP